The following is an entry in ClinVar:

NM_000359.3(TGM1):c.177C>T (p.Asp59=)

Gene: TGM1 (transglutaminase 1; minus strand). Cytogenetic location: 14q12.
Variant type: single nucleotide variant.
Coding change: c.177C>T on transcript NM_000359.3 (MANE Select); coding-DNA position 177, C replaced by T.
Protein change: p.Asp59=; no amino-acid change (aspartic acid 59 retained).
Molecular consequence: synonymous variant.
Genome position (GRCh38, 1-based): chr14:24,262,176, G>A on the plus strand (C>T on the coding strand, the complement: TGM1 is on the minus strand). VCF-style: chr14-24262176-G-A. GRCh37 (hg19) VCF-style: chr14-24731382-G-A.
Identifiers: ClinVar variation 312994 (VCV000312994.18), dbSNP rs8193031, ClinGen allele CA7131525.

ClinVar aggregate classification (germline): Conflicting classifications of pathogenicity. Review status: criteria provided, conflicting classifications (1 of 4 stars). 4 submissions from 4 submitters: Uncertain significance (1); Benign (1). 2 of the submissions do not count toward it. Last evaluated 2026-01-15.

Conditions:
Autosomal recessive congenital ichthyosis 1 (LI1). Also called: ICHTHYOSIS, CONGENITAL, AUTOSOMAL RECESSIVE 1, WITH OR WITHOUT BATHING SUIT DISTRIBUTION; ICHTHYOSIS, CONGENITAL, AUTOSOMAL RECESSIVE 1, WITH BATHING SUIT DISTRIBUTION; COLLODION FETUS; DESQUAMATION OF NEWBORN; ICHTHYOSIS CONGENITA; ICHTHYOSIS CONGENITA II. Identifiers: MedGen C4551630, MONDO:0009441, OMIM 242300.
TGM1-related disorder. Also called: TGM1-related condition.

Allele frequency attached by ClinVar (database versions not stated): 1000 Genomes Project 30x 0.00094; 1000 Genomes Project 0.00120; TOPMed 0.00006; gnomAD 0.00009 and 0.00024; gnomAD exomes 0.00010 and 0.00031; ExAC 0.00012.
gnomAD v4.1: 466 of 1,613,734 alleles (0.029%); highest among the groups gnomAD compares: East Asian, 0.99%; 3 homozygotes.

Submissions (4):

Labcorp Genetics (formerly Invitae), Labcorp
Classification: Benign. Last evaluated: 2026-01-15. Review status: criteria provided, single submitter. Criteria: Invitae Variant Classification Sherloc (09022015). Collection method: clinical testing. Allele origin: germline.

Illumina Laboratory Services, Illumina
Classification: Uncertain significance for Autosomal recessive congenital ichthyosis 1. Last evaluated: 2018-01-12. Review status: criteria provided, single submitter. Criteria: ICSL Variant Classification Criteria 13 December 2019. Collection method: clinical testing. Allele origin: germline.

PreventionGenetics, part of Exact Sciences
Classification: Likely benign for TGM1-related condition. Last evaluated: 2024-06-28. Review status: no assertion criteria provided. Collection method: clinical testing. Allele origin: germline. Not counted in ClinVar's aggregate classification.
Comment: This variant is classified as likely benign based on ACMG/AMP sequence variant interpretation guidelines (Richards et al. 2015 PMID: 25741868, with internal and published modifications).

Natera, Inc.
Classification: Likely benign for Autosomal recessive congenital ichthyosis type 1. Last evaluated: 2020-06-22. Review status: no assertion criteria provided. Collection method: clinical testing. Allele origin: germline. Not counted in ClinVar's aggregate classification.